The following is an entry in ClinVar:

ClinVar aggregate classification (germline): Pathogenic/Likely pathogenic. Review status: criteria provided, multiple submitters, no conflicts (2 of 4 stars). 3 submissions from 3 submitters: Pathogenic (2); Likely pathogenic (1). Last evaluated 2022-10-12.

Conditions:
Hereditary cancer-predisposing syndrome. Also called: Neoplastic Syndromes, Hereditary; Tumor predisposition; Hereditary Cancer Syndrome; Hereditary neoplastic syndrome. Identifiers: Orphanet 140162, MedGen C0027672, MeSH D009386, MONDO:0015356.
Lynch syndrome. Identifiers: Orphanet 144, MedGen C4552100, MONDO:0005835. Disease mechanism: loss of function.

Submissions (3):

Ambry Genetics
Classification: Pathogenic for Hereditary cancer-predisposing syndrome. Last evaluated: 2022-10-12. Review status: criteria provided, single submitter. Criteria: Ambry Variant Classification Scheme 2023. Collection method: clinical testing. Allele origin: germline.
Comment: The p.E677* pathogenic mutation (also known as c.2029G>T), located in coding exon 12 of the PMS2 gene, results from a G to T substitution at nucleotide position 2029. This changes the amino acid from a glutamic acid to a stop codon within coding exon 12. This variant is considered to be rare based on population cohorts in the Genome Aggregation Database (gnomAD). This alteration is expected to result in loss of function by premature protein truncation or nonsense-mediated mRNA decay. As such, this alteration is interpreted as a disease-causing mutation.

GeneDx
Classification: Pathogenic. Last evaluated: 2022-06-14. Review status: criteria provided, single submitter. Criteria: GeneDx Variant Classification Process June 2021. Collection method: clinical testing. Allele origin: germline. Affected: yes.
Comment: Nonsense variant predicted to result in protein truncation or nonsense mediated decay in a gene for which loss of function is a known mechanism of disease; Not observed at significant frequency in large population cohorts (gnomAD); Truncating variants in this gene are considered pathogenic by a well-established clinical consortium and/or database; Has not been previously published as pathogenic or benign to our knowledge

Laboratory for Molecular Medicine, Mass General Brigham Personalized Medicine
Classification: Likely pathogenic for Lynch syndrome. Last evaluated: 2020-05-13. Review status: criteria provided, single submitter. Criteria: ACMG Guidelines, 2015. Collection method: clinical testing. Allele origin: germline.
Comment: The p.Glu677X variant in PMS2 has not been previously reported in individuals with Lynch syndrome and was absent from large population studies. This nonsense variant leads to a premature termination codon at position 677, which is predicted to lead to a truncated or absent protein. Loss of function of the PMS2 gene is an established disease mechanism in autosomal dominant Lynch syndrome. In summary, although additional studies are required to fully establish its clinical significance, this variant meets criteria to be classified as likely pathogenic for autosomal dominant Lynch syndrome. ACMG/AMP Criteria applied: PVS1, PM2.

NM_000535.7(PMS2):c.2029G>T (p.Glu677Ter)

Gene: PMS2 (PMS1 homolog 2, mismatch repair system component; minus strand). Cytogenetic location: 7p22.1.
Variant type: single nucleotide variant.
Coding change: c.2029G>T on transcript NM_000535.7 (MANE Select); coding-DNA position 2029, G replaced by T.
Protein change: p.Glu677Ter; replaces glutamic acid 677 with a stop codon.
Molecular consequence: nonsense. On other transcripts: non-coding transcript variant (1).
Genome position (GRCh38, 1-based): chr7:5,982,969, C>A on the plus strand (G>T on the coding strand, the complement: PMS2 is on the minus strand). VCF-style: chr7-5982969-C-A. GRCh37 (hg19) VCF-style: chr7-6022600-C-A.
Other names: c.1624G>T, p.Glu542Ter (NM_001018040.1, NM_001322003.2, NM_001322004.2 and 15 more transcripts); c.1873G>T, p.Glu625Ter (NM_001322006.2, NM_001406870.1); c.1711G>T, p.Glu571Ter (NM_001322007.2, NM_001322008.2, NM_001406876.1 and 1 more transcripts); c.1468G>T, p.Glu490Ter (NM_001322010.2, NM_001406906.1, NM_001406907.1); c.1096G>T, p.Glu366Ter (NM_001322011.2, NM_001322012.2); c.1456G>T, p.Glu486Ter (NM_001322013.2, NM_001406909.1); c.2029G>T, p.Glu677Ter (NM_001322014.2, NM_001406871.1); c.1720G>T, p.Glu574Ter (NM_001322015.2, NM_001406875.1, NM_001406877.1 and 5 more transcripts); and 13 more; short protein forms E366*, E506*, E542*, E565*, E574*, E641*, E490*, E569*.
Identifiers: ClinVar variation 1784715 (VCV001784715.4), dbSNP rs2128704530, ClinGen allele CA366738147.